The following is an entry in ClinVar:

NM_001378454.1(ALMS1):c.8339C>G (p.Ser2780Ter)

Gene: ALMS1 (ALMS1 centrosome and basal body associated protein; plus strand). Cytogenetic location: 2p13.1.
Variant type: single nucleotide variant.
Coding change: c.8339C>G on transcript NM_001378454.1 (MANE Select); coding-DNA position 8339, C replaced by G.
Protein change: p.Ser2780Ter; replaces serine 2780 with a stop codon.
Molecular consequence: nonsense.
Genome position (GRCh38, 1-based): chr2:73,490,298, C>G. VCF-style: chr2-73490298-C-G. GRCh37 (hg19) VCF-style: chr2-73717425-C-G.
Other names: c.8342C>G, p.Ser2781Ter (NM_015120.4); short protein forms S2781*, S2780*.
Identifiers: ClinVar variation 3661059 (VCV003661059.2).

ClinVar aggregate classification (germline): Pathogenic (1 of 4 stars; one submission).

Conditions:
Alstrom syndrome (ALMS). Identifiers: Orphanet 64, MedGen C0268425, MONDO:0008763, OMIM 203800.

Submission:

Labcorp Genetics (formerly Invitae), Labcorp
Classification: Pathogenic for Alstrom syndrome. Last evaluated: 2024-07-31. Review status: criteria provided, single submitter. Criteria: Invitae Variant Classification Sherloc (09022015). Collection method: clinical testing. Allele origin: germline.
Comment: This sequence change creates a premature translational stop signal (p.Ser2781*) in the ALMS1 gene. It is expected to result in an absent or disrupted protein product. Loss-of-function variants in ALMS1 are known to be pathogenic (PMID: 17594715). This variant is not present in population databases (gnomAD no frequency). This variant has not been reported in the literature in individuals affected with ALMS1-related conditions. For these reasons, this variant has been classified as Pathogenic.

Literature cited by the submitters: PubMed 17594715.